The following is an entry in ClinVar:

NM_014639.4(SKIC3):c.1510A>G (p.Arg504Gly)

Gene: SKIC3 (SKI3 subunit of superkiller complex; minus strand). Cytogenetic location: 5q15.
Variant type: single nucleotide variant.
Coding change: c.1510A>G on transcript NM_014639.4 (MANE Select); coding-DNA position 1510, A replaced by G.
Protein change: p.Arg504Gly; replaces arginine 504 with glycine.
Molecular consequence: missense variant.
Genome position (GRCh38, 1-based): chr5:95,523,777, T>C on the plus strand (A>G on the coding strand, the complement: SKIC3 is on the minus strand). VCF-style: chr5-95523777-T-C. GRCh37 (hg19) VCF-style: chr5-94859481-T-C.
Other names: c.1510A>G (NM_014639.3); short protein forms R504G.
Identifiers: ClinVar variation 1460639 (VCV001460639.6), dbSNP rs376789937, ClinGen allele CA3347311.

ClinVar aggregate classification (germline): Uncertain significance. Review status: criteria provided, multiple submitters, no conflicts (2 of 4 stars). 2 submissions from 2 submitters: Uncertain significance (2). Last evaluated 2024-06-05.

Conditions:
Inborn genetic diseases. Identifiers: MedGen C0950123, MeSH D030342.

Allele frequency attached by ClinVar (database versions not stated): ExAC 0.00002; ESP Exome Variant Server 0.00008; gnomAD exomes below 0.00001.
gnomAD v4.1: 4 of 1,613,552 alleles (0.00025%); highest among the groups gnomAD compares: South Asian, 0.0011%; no homozygotes.

Submissions (2):

Ambry Genetics
Classification: Uncertain significance for Inborn genetic diseases. Last evaluated: 2024-06-05. Review status: criteria provided, single submitter. Criteria: Ambry Variant Classification Scheme 2023. Collection method: clinical testing. Allele origin: germline.

Labcorp Genetics (formerly Invitae), Labcorp
Classification: Uncertain significance. Last evaluated: 2021-09-01. Review status: criteria provided, single submitter. Criteria: Invitae Variant Classification Sherloc (09022015). Collection method: clinical testing. Allele origin: germline.
Comment: This sequence change replaces arginine with glycine at codon 504 of the TTC37 protein (p.Arg504Gly). The arginine residue is moderately conserved and there is a moderate physicochemical difference between arginine and glycine. This variant is present in population databases (rs376789937, ExAC 0.006%). This variant has not been reported in the literature in individuals affected with TTC37-related conditions. Algorithms developed to predict the effect of missense changes on protein structure and function (SIFT, PolyPhen-2, Align-GVGD) all suggest that this variant is likely to be tolerated. In summary, the available evidence is currently insufficient to determine the role of this variant in disease. Therefore, it has been classified as a Variant of Uncertain Significance.